The following is an entry in ClinVar:

NM_001378454.1(ALMS1):c.8481G>T (p.Arg2827Ser)

Gene: ALMS1 (ALMS1 centrosome and basal body associated protein; plus strand). Cytogenetic location: 2p13.1.
Variant type: single nucleotide variant.
Coding change: c.8481G>T on transcript NM_001378454.1 (MANE Select); coding-DNA position 8481, G replaced by T.
Protein change: p.Arg2827Ser; replaces arginine 2827 with serine.
Molecular consequence: missense variant.
Genome position (GRCh38, 1-based): chr2:73,490,440, G>T. VCF-style: chr2-73490440-G-T. GRCh37 (hg19) VCF-style: chr2-73717567-G-T.
Other names: c.8484G>T, p.Arg2828Ser (NM_015120.4); short protein forms R2828S, R2827S.
Identifiers: ClinVar variation 383761 (VCV000383761.30), dbSNP rs2056486, ClinGen allele CA1714475.

ClinVar aggregate classification (germline): Benign. Review status: criteria provided, multiple submitters, no conflicts (2 of 4 stars). 11 submissions from 11 submitters: Benign (7). 4 of the submissions do not count toward it. Last evaluated 2026-02-04.

Conditions:
Cardiovascular phenotype. Identifiers: MedGen CN230736.
Alstrom syndrome (ALMS). Identifiers: Orphanet 64, MedGen C0268425, MONDO:0008763, OMIM 203800.

Allele frequency attached by ClinVar (database versions not stated): gnomAD exomes 0.26309; ExAC 0.26628; 1000 Genomes Project 0.35823; 1000 Genomes Project 30x 0.37570; gnomAD 0.38369 and 0.39967; ESP Exome Variant Server 0.39000; TOPMed 0.40997.
gnomAD v4.1: 412,312 of 1,613,828 alleles (26%); highest among the groups gnomAD compares: African/African-American, 76%; 65,462 homozygotes.

Submissions (11):

Labcorp Genetics (formerly Invitae), Labcorp
Classification: Benign for Alstrom syndrome. Last evaluated: 2026-02-04. Review status: criteria provided, single submitter. Criteria: Invitae Variant Classification Sherloc (09022015). Collection method: clinical testing. Allele origin: germline.

Blueprint Genetics
Classification: Benign. Last evaluated: 2024-11-26. Review status: criteria provided, single submitter. Criteria: ACMG Guidelines, 2015. Collection method: clinical testing. Allele origin: germline.

Genome-Nilou Lab
Classification: Benign for Alstrom syndrome. Last evaluated: 2021-07-14. Review status: criteria provided, single submitter. Criteria: ACMG Guidelines, 2015. Collection method: clinical testing. Allele origin: germline. Affected: no.

Ambry Genetics
Classification: Benign for Cardiovascular phenotype. Last evaluated: 2018-12-21. Review status: criteria provided, single submitter. Criteria: Ambry Variant Classification Scheme 2023. Collection method: clinical testing. Allele origin: germline.

GeneDx
Classification: Benign. Last evaluated: 2016-09-09. Review status: criteria provided, single submitter. Criteria: GeneDx Variant Classification (06012015). Collection method: clinical testing. Allele origin: germline. Affected: yes.
Comment: This variant is considered likely benign or benign based on one or more of the following criteria: it is a conservative change, it occurs at a poorly conserved position in the protein, it is predicted to be benign by multiple in silico algorithms, and/or has population frequency not consistent with disease.

Laboratory for Molecular Medicine, Mass General Brigham Personalized Medicine
Classification: Benign. Last evaluated: 2016-03-21. Review status: criteria provided, single submitter. Criteria: LMM Criteria. Collection method: clinical testing. Allele origin: germline. Observed: 147 variant alleles.
Comment: p.Arg2826Ser in exon 10 of ALMS1: This variant is not expected to have clinical significance because it has been identified in 85.78% (1134/1322) of African chr omosomes by the 1000 Genomes Project (Phase 3; dbSNP rs2056486).

Breakthrough Genomics
Classification: Benign. Review status: criteria provided, single submitter. Criteria: ACMG Guidelines, 2015. Collection method: not provided. Allele origin: germline. Inheritance: Autosomal recessive inheritance. Affected: yes.

Natera, Inc.
Classification: Benign for Alstrom syndrome. Last evaluated: 2020-09-16. Review status: no assertion criteria provided. Collection method: clinical testing. Allele origin: germline. Not counted in ClinVar's aggregate classification.

Clinical Genetics, Academic Medical Center
Classification: Benign. Review status: no assertion criteria provided. Collection method: clinical testing. Allele origin: germline. Affected: yes. Study: VKGL Data-share Consensus. Not counted in ClinVar's aggregate classification.

Diagnostic Laboratory, Department of Genetics, University Medical Center Groningen
Classification: Benign. Review status: no assertion criteria provided. Collection method: clinical testing. Allele origin: germline. Affected: yes. Study: VKGL Data-share Consensus. Not counted in ClinVar's aggregate classification.

Joint Genome Diagnostic Labs from Nijmegen and Maastricht, Radboudumc and MUMC+
Classification: Benign. Review status: no assertion criteria provided. Collection method: clinical testing. Allele origin: germline. Affected: yes. Study: VKGL Data-share Consensus. Not counted in ClinVar's aggregate classification.